The following is an entry in ClinVar:

NM_004329.3(BMPR1A):c.1281G>T (p.Met427Ile)

Gene: BMPR1A (bone morphogenetic protein receptor type 1A; plus strand). Cytogenetic location: 10q23.2.
Variant type: single nucleotide variant.
Coding change: c.1281G>T on transcript NM_004329.3 (MANE Select); coding-DNA position 1281, G replaced by T.
Protein change: p.Met427Ile; replaces methionine 427 with isoleucine.
Molecular consequence: missense variant.
Genome position (GRCh38, 1-based): chr10:86,921,634, G>T. VCF-style: chr10-86921634-G-T. GRCh37 (hg19) VCF-style: chr10-88681391-G-T.
Other names: short protein forms M427I.
Identifiers: ClinVar variation 920947 (VCV000920947.5), dbSNP rs769212314, ClinGen allele CA377462222.

ClinVar aggregate classification (germline): Uncertain significance. Review status: criteria provided, multiple submitters, no conflicts (2 of 4 stars). 2 submissions from 2 submitters: Uncertain significance (2). Last evaluated 2026-07-06.

Conditions:
Hereditary cancer-predisposing syndrome. Also called: Neoplastic Syndromes, Hereditary; Hereditary Cancer Syndrome; Tumor predisposition; Hereditary neoplastic syndrome. Identifiers: Orphanet 140162, MedGen C0027672, MeSH D009386, MONDO:0015356.

Submissions (2):

Ambry Genetics
Classification: Uncertain significance for Hereditary cancer-predisposing syndrome. Last evaluated: 2026-07-06. Review status: criteria provided, single submitter. Criteria: Ambry Variant Classification Scheme 2023. Collection method: clinical testing. Allele origin: germline.
Comment: The p.M427I variant (also known as c.1281G>T), located in coding exon 9 of the BMPR1A gene, results from a G to T substitution at nucleotide position 1281. The methionine at codon 427 is replaced by isoleucine, an amino acid with highly similar properties. This amino acid position is conserved. In addition, this alteration is predicted to be deleterious by in silico analysis. Based on the available evidence, the clinical significance of this variant remains unclear.

Color Diagnostics, LLC DBA Color Health
Classification: Uncertain significance for Hereditary cancer-predisposing syndrome. Last evaluated: 2024-03-06. Review status: criteria provided, single submitter. Criteria: ACMG Guidelines, 2015. Collection method: clinical testing. Allele origin: germline.
Comment: This missense variant replaces methionine with isoleucine at codon 427 of the BMPR1A protein. Computational prediction suggests that this variant may have deleterious impact on protein structure and function (internally defined REVEL score threshold >= 0.7, PMID: 27666373). To our knowledge, functional studies have not been reported for this variant. This variant has not been reported in individuals affected with hereditary cancer in the literature. This variant has not been identified in the general population by the Genome Aggregation Database (gnomAD). The available evidence is insufficient to determine the role of this variant in disease conclusively. Therefore, this variant is classified as a Variant of Uncertain Significance.